The following is an entry in ClinVar:

NM_005138.3(SCO2):c.655G>A (p.Asp219Asn)

Genes: NCAPH2 (non-SMC condensin II complex subunit H2; plus strand), SCO2 (synthesis of cytochrome C oxidase 2; minus strand). Cytogenetic location: 22q13.33.
Variant type: single nucleotide variant.
Coding change: c.655G>A on transcript NM_005138.3 (MANE Select); coding-DNA position 655, G replaced by A.
Protein change: p.Asp219Asn; replaces aspartic acid 219 with asparagine.
Molecular consequence: missense variant. On other transcripts: 3 prime UTR variant (2).
Genome position (GRCh38, 1-based): chr22:50,523,757, C>T on the plus strand (G>A on the coding strand, the complement: SCO2 is on the minus strand). VCF-style: chr22-50523757-C-T. GRCh37 (hg19) VCF-style: chr22-50962186-C-T.
Other names: c.*382C>T (NM_001185011.2, NM_152299.4); c.655G>A, p.Asp219Asn (NM_001169109.2, NM_001169110.1, NM_001169111.2); short protein forms D219N.
Identifiers: ClinVar variation 1513531 (VCV001513531.8), dbSNP rs2069193099, ClinGen allele CA412191594.
Genomic context (GRCh38, chr22:50,523,757, plus strand): 5'-CCGTGAAGAGGCCGTCAGGGTTGAGCAGGTAGATGGCAATGGAGTGGTCCACGATGTAGT[C>T]CTGGTCCTCATCCTTGGGGCCTGCATTGTAGTACACGCGGTAACTGTGACTAGCCTGGGC-3'
Protein context (NP_005129.2, residues 209-229): YNAGPKDEDQ[Asp219Asn]YIVDHSIAIY

ClinVar aggregate classification (germline): Uncertain significance (1 of 4 stars; one submission).

Allele frequency attached by ClinVar (database versions not stated): gnomAD exomes below 0.00001; gnomAD 0.00001.
gnomAD v4.1: 6 of 1,614,076 alleles (0.00037%); highest among the groups gnomAD compares: Admixed American, 0.0017%; no homozygotes.

Submission:

Labcorp Genetics (formerly Invitae), Labcorp
Classification: Uncertain significance. Last evaluated: 2022-08-23. Review status: criteria provided, single submitter. Criteria: Invitae Variant Classification Sherloc (09022015). Collection method: clinical testing. Allele origin: germline.
Comment: In summary, the available evidence is currently insufficient to determine the role of this variant in disease. Therefore, it has been classified as a Variant of Uncertain Significance. Algorithms developed to predict the effect of missense changes on protein structure and function are either unavailable or do not agree on the potential impact of this missense change (SIFT: "Deleterious"; PolyPhen-2: "Probably Damaging"; Align-GVGD: "Class C0"). ClinVar contains an entry for this variant (Variation ID: 1513531). This variant has not been reported in the literature in individuals affected with SCO2-related conditions. This variant is not present in population databases (gnomAD no frequency). This sequence change replaces aspartic acid, which is acidic and polar, with asparagine, which is neutral and polar, at codon 219 of the SCO2 protein (p.Asp219Asn).